The following is an entry in ClinVar:

ClinVar aggregate classification (germline): Uncertain significance (1 of 4 stars; one submission).

Conditions:
Muscular dystrophy-dystroglycanopathy (congenital with brain and eye anomalies), type a, 8 (MDDGA8). Also called: WALKER-WARBURG SYNDROME OR MUSCLE-EYE-BRAIN DISEASE, GTDC2-RELATED. Identifiers: Orphanet 899, MedGen C3553813, MONDO:0013904, OMIM 614830.

Allele frequency attached by ClinVar (database versions not stated): gnomAD 0.00001; TOPMed 0.00002.
gnomAD v4.1: 26 of 1,570,510 alleles (0.0017%); highest among the groups gnomAD compares: South Asian, 0.0036%; no homozygotes.

Submission:

Labcorp Genetics (formerly Invitae), Labcorp
Classification: Uncertain significance for Muscular dystrophy-dystroglycanopathy (congenital with brain and eye anomalies), type a, 8. Last evaluated: 2025-03-31. Review status: criteria provided, single submitter. Criteria: Invitae Variant Classification Sherloc (09022015). Collection method: clinical testing. Allele origin: germline.
Comment: This sequence change replaces serine, which is neutral and polar, with leucine, which is neutral and non-polar, at codon 4 of the POMGNT2 protein (p.Ser4Leu). The frequency data for this variant in the population databases is considered unreliable, as metrics indicate poor data quality at this position in the gnomAD database. This variant has not been reported in the literature in individuals affected with POMGNT2-related conditions. ClinVar contains an entry for this variant (Variation ID: 1957685). Experimental studies and prediction algorithms are not available or were not evaluated, and the functional significance of this variant is currently unknown. In summary, the available evidence is currently insufficient to determine the role of this variant in disease. Therefore, it has been classified as a Variant of Uncertain Significance.

NM_032806.6(POMGNT2):c.11C>T (p.Ser4Leu)

Gene: POMGNT2 (protein O-linked mannose N-acetylglucosaminyltransferase 2 (beta 1,4-); minus strand). Cytogenetic location: 3p22.1.
Variant type: single nucleotide variant.
Coding change: c.11C>T on transcript NM_032806.6 (MANE Select); coding-DNA position 11, C replaced by T.
Protein change: p.Ser4Leu; replaces serine 4 with leucine.
Molecular consequence: missense variant.
Genome position (GRCh38, 1-based): chr3:43,081,421, G>A on the plus strand (C>T on the coding strand, the complement: POMGNT2 is on the minus strand). VCF-style: chr3-43081421-G-A. GRCh37 (hg19) VCF-style: chr3-43122913-G-A.
Other names: short protein forms S4L.
Identifiers: ClinVar variation 1957685 (VCV001957685.5), dbSNP rs536444876, ClinGen allele CA2340182.
Genomic context (GRCh38, chr3:43,081,421, plus strand): 5'-CGCACATGCTTCCACAGGACCGCTGCCAGCACCGACACCAGGAGGGCGTTGAACACCGCC[G>A]AGAGGTGCATCCTAATGCCACTGTGGGGCCCTAATGAGATGACGGCCACTGGGAAGCACC-3'
Protein context (NP_116195.2, residues 1-14): MHL[Ser4Leu]AVFNALLVSV